The following is an entry in ClinVar:

ClinVar aggregate classification (germline): Uncertain significance. Review status: criteria provided, multiple submitters, no conflicts (2 of 4 stars). 2 submissions from 2 submitters: Uncertain significance (2). Last evaluated 2025-05-21.

Conditions:
Cardiovascular phenotype. Identifiers: MedGen CN230736.

Submissions (2):

Ambry Genetics
Classification: Uncertain significance for Cardiovascular phenotype. Last evaluated: 2025-05-21. Review status: criteria provided, single submitter. Criteria: Ambry Variant Classification Scheme 2023. Collection method: clinical testing. Allele origin: germline.
Comment: The p.D389G variant (also known as c.1166A>G), located in coding exon 7 of the SPRED1 gene, results from an A to G substitution at nucleotide position 1166. The aspartic acid at codon 389 is replaced by glycine, an amino acid with similar properties. This amino acid position is conserved. In addition, this alteration is predicted to be deleterious by in silico analysis. Based on the available evidence, the clinical significance of this variant remains unclear.

Blueprint Genetics
Classification: Uncertain significance. Last evaluated: 2023-10-20. Review status: criteria provided, single submitter. Criteria: ACMG Guidelines, 2015. Collection method: clinical testing. Allele origin: germline.

NM_152594.3(SPRED1):c.1166A>G (p.Asp389Gly)

Gene: SPRED1 (sprouty related EVH1 domain containing 1; plus strand). Cytogenetic location: 15q14.
Variant type: single nucleotide variant.
Coding change: c.1166A>G on transcript NM_152594.3 (MANE Select); coding-DNA position 1166, A replaced by G.
Protein change: p.Asp389Gly; replaces aspartic acid 389 with glycine.
Molecular consequence: missense variant.
Genome position (GRCh38, 1-based): chr15:38,351,495, A>G. VCF-style: chr15-38351495-A-G. GRCh37 (hg19) VCF-style: chr15-38643696-A-G.
Other names: short protein forms D389G.
Identifiers: ClinVar variation 3961399 (VCV003961399.2).